The following is an entry in ClinVar:

ClinVar aggregate classification (germline): Uncertain significance. Review status: criteria provided, multiple submitters, no conflicts (2 of 4 stars). 2 submissions from 2 submitters: Uncertain significance (2). Last evaluated 2024-11-05.

Allele frequency attached by ClinVar (database versions not stated): gnomAD exomes below 0.00001; TOPMed below 0.00001; gnomAD 0.00001.
gnomAD v4.1: 1 of 1,614,214 alleles (0.000062%); highest among the groups gnomAD compares: African/African-American, 0.0013%; no homozygotes.

Submissions (2):

Dasa
Classification: Uncertain significance. Last evaluated: 2024-11-05. Review status: criteria provided, single submitter. Criteria: DASA Assertion Criteria. Collection method: clinical testing. Allele origin: germline.
Comment: NM_001348323.3(TRIP12):c.569A>G (p.Lys190Arg) is a missense variant that results in the substitution of lysine with arginine. This variant is rare in population databases. Computational prediction algorithms are consistent with a benign effect. The currently available literature and clinical evidence are not sufficient to establish a definitive association between this variant and the reported condition. Therefore, this variant is classified as a variant of uncertain significance.

GeneDx
Classification: Uncertain significance. Last evaluated: 2019-03-13. Review status: criteria provided, single submitter. Criteria: GeneDx Variant Classification Process June 2021. Collection method: clinical testing. Allele origin: germline. Affected: yes.
Comment: Not observed in large population cohorts (Lek et al., 2016); In silico analysis, which includes protein predictors and evolutionary conservation, supports that this variant does not alter protein structure/function; Has not been previously published as pathogenic or benign to our knowledge

NM_001348323.3(TRIP12):c.569A>G (p.Lys190Arg)

Gene: TRIP12 (thyroid hormone receptor interactor 12; minus strand). Cytogenetic location: 2q36.3.
Variant type: single nucleotide variant.
Coding change: c.569A>G on transcript NM_001348323.3 (MANE Select); coding-DNA position 569, A replaced by G.
Protein change: p.Lys190Arg; replaces lysine 190 with arginine.
Molecular consequence: missense variant. On other transcripts: intron variant (1).
Genome position (GRCh38, 1-based): chr2:229,859,230, T>C on the plus strand (A>G on the coding strand, the complement: TRIP12 is on the minus strand). VCF-style: chr2-229859230-T-C. GRCh37 (hg19) VCF-style: chr2-230723946-T-C.
Other names: c.569A>G, p.Lys190Arg (NM_001348326.2, NM_001348327.2, NM_001348328.1 and 15 more transcripts); c.443A>G, p.Lys148Arg (NM_001348331.1, NM_001284215.2, NM_001348316.2 and 3 more transcripts); c.98+20752A>G (NM_001284216.2); short protein forms K148R, K190R.
Identifiers: ClinVar variation 1218092 (VCV001218092.5), dbSNP rs2060097162, ClinGen allele CA350897114.